The following is an entry in ClinVar:

ClinVar aggregate classification (germline): Conflicting classifications of pathogenicity. Review status: criteria provided, conflicting classifications (1 of 4 stars). 4 submissions from 4 submitters: Uncertain significance (1); Likely benign (3). Last evaluated 2026-05-31.

Conditions:
PLEC-related disorder. Also called: PLEC-related condition; PLEC-related disorders.
Epidermolysis bullosa simplex 5C, with pyloric atresia (EBS5C). Also called: PLEC-Related Epidermolysis Bullosa with Pyloric Atresia; Epidermolysis bullosa simplex with pyloric atresia; PLEC1-Related Epidermolysis Bullosa with Pyloric Atresia. Identifiers: Orphanet 158684, MedGen C2677349, MONDO:0012807, OMIM 612138.
Epidermolysis bullosa simplex with nail dystrophy (EBS5D). Identifiers: MedGen C4225309, MONDO:0014661, OMIM 616487.
Autosomal recessive limb-girdle muscular dystrophy type 2Q (LGMDR17). Also called: MUSCULAR DYSTROPHY, LIMB-GIRDLE, AUTOSOMAL RECESSIVE 17. Identifiers: Orphanet 254361, MedGen C3150989, MONDO:0013390, OMIM 613723.
Epidermolysis bullosa simplex, Ogna type (EBS5A). Also called: Pidermolysis bullosa simplex 5A, Ogna type; EPIDERMOLYSIS BULLOSA SIMPLEX 5A, OGNA TYPE. Identifiers: Orphanet 79401, MedGen C0432317, MONDO:0007555, OMIM 131950.
Epidermolysis bullosa simplex 5B, with muscular dystrophy (EBS5B). Also called: EPIDERMOLYSIS BULLOSA SIMPLEX AND LIMB-GIRDLE MUSCULAR DYSTROPHY; Epidermolysis bullosa simplex with muscular dystrophy. Identifiers: Orphanet 257, MedGen C2931072, MONDO:0009181, OMIM 226670.

Allele frequency attached by ClinVar (database versions not stated): gnomAD 0.00007 and 0.00008; ExAC 0.00008; ESP Exome Variant Server 0.00011; gnomAD exomes 0.00011; TOPMed 0.00011.
gnomAD v4.1: 120 of 1,548,000 alleles (0.0078%); highest among the groups gnomAD compares: Middle Eastern, 0.28%; no homozygotes.

Submissions (4):

PreventionGenetics, part of Exact Sciences
Classification: Likely benign for PLEC-related condition. Last evaluated: 2026-05-31. Review status: criteria provided, single submitter. Criteria: ACMG Guidelines, 2015. Collection method: clinical testing. Allele origin: germline.
Comment: This variant is classified as likely benign based on ACMG/AMP sequence variant interpretation guidelines (Richards et al. 2015 PMID: 25741868, with internal and published modifications).

Labcorp Genetics (formerly Invitae), Labcorp
Classification: Likely benign for Autosomal recessive limb-girdle muscular dystrophy type 2Q; Epidermolysis bullosa simplex, Ogna type; Epidermolysis bullosa simplex with nail dystrophy; Epidermolysis bullosa simplex 5C, with pyloric atresia; Epidermolysis bullosa simplex 5B, with muscular dystrophy. Last evaluated: 2026-01-20. Review status: criteria provided, single submitter. Criteria: Invitae Variant Classification Sherloc (09022015). Collection method: clinical testing. Allele origin: germline.

Blueprint Genetics
Classification: Likely benign. Last evaluated: 2024-06-12. Review status: criteria provided, single submitter. Criteria: ACMG Guidelines, 2015. Collection method: clinical testing. Allele origin: germline.

Eurofins Ntd Llc (ga)
Classification: Uncertain significance. Last evaluated: 2018-07-19. Review status: criteria provided, single submitter. Criteria: EGL ClinVar v180209 classification definitions. Collection method: clinical testing. Allele origin: germline. Observed: 2 variant alleles, 2 heterozygotes.

NM_201384.3(PLEC):c.6249G>A (p.Ala2083=)

Gene: PLEC (plectin; minus strand). Cytogenetic location: 8q24.3.
Variant type: single nucleotide variant.
Coding change: c.6249G>A on transcript NM_201384.3 (MANE Select); coding-DNA position 6249, G replaced by A.
Protein change: p.Ala2083=; no amino-acid change (alanine 2083 retained).
Molecular consequence: synonymous variant.
Genome position (GRCh38, 1-based): chr8:143,923,680, C>T on the plus strand (G>A on the coding strand, the complement: PLEC is on the minus strand). VCF-style: chr8-143923680-C-T. GRCh37 (hg19) VCF-style: chr8-144997848-C-T.
Other names: c.6330G>A, p.Ala2110= (NM_000445.5); c.6207G>A, p.Ala2069= (NM_201378.4); c.6183G>A, p.Ala2061= (NM_201379.3); c.6660G>A, p.Ala2220= (NM_201380.4); c.6153G>A, p.Ala2051= (NM_201381.3); c.6249G>A, p.Ala2083= (NM_201382.4); c.6261G>A, p.Ala2087= (NM_201383.3).
Identifiers: ClinVar variation 287903 (VCV000287903.16), dbSNP rs377026986, ClinGen allele CA4926067.